The following is an entry in ClinVar:

ClinVar aggregate classification (germline): Pathogenic (1 of 4 stars; one submission).

Allele frequency attached by ClinVar (database versions not stated): gnomAD exomes 0.00001; ExAC 0.00001.
gnomAD v4.1: 16 of 1,601,660 alleles (0.001%); highest among the groups gnomAD compares: Non-Finnish European, 0.0013%; no homozygotes.

Submission:

GeneDx
Classification: Pathogenic. Last evaluated: 2015-04-15. Review status: criteria provided, single submitter. Criteria: GeneDx Variant Classification (06012015). Collection method: clinical testing. Allele origin: germline. Affected: yes.
Comment: The c.4683+2T>G variant in the LAMA3 gene has not been reported previously as a pathogenic variant nor as a benign polymorphism, to our knowledge. This splice site variant destroys the canonical splice donor site in intron 36 of the alternate transcript. It is predicted to cause abnormal gene splicing, either leading to an abnormal message that is subject to nonsense-mediated mRNA decay, or to anabnormal protein product if the message is used for protein translation. The c.4683+2T>G variant wasnot observed in approximately 6200 individuals of European and African American ancestry in the NHLBIExome Sequencing Project, indicating it is not a common benign variant in these populations. We interpretc.4683+2T>G as a pathogenic variant.

NM_198129.4(LAMA3):c.4683+2T>G

Gene: LAMA3 (laminin subunit alpha 3; plus strand). Cytogenetic location: 18q11.2.
Variant type: single nucleotide variant.
Coding change: c.4683+2T>G on transcript NM_198129.4 (MANE Select); the canonical splice donor site of the intron after coding-DNA position 4683, T replaced by G.
Molecular consequence: splice donor variant.
Genome position (GRCh38, 1-based): chr18:23,864,885, T>G. VCF-style: chr18-23864885-T-G. GRCh37 (hg19) VCF-style: chr18-21444849-T-G.
Other names: c.4683+2T>G (NM_001127717.4).
Identifiers: ClinVar variation 379570 (VCV000379570.4), dbSNP rs765943112, ClinGen allele CA8915685.